The following is an entry in ClinVar:

NM_172351.3(CD46):c.1082+638A>G

Gene: CD46 (CD46 molecule; plus strand). Cytogenetic location: 1q32.2.
Variant type: single nucleotide variant.
Coding change: c.1082+638A>G on transcript NM_172351.3 (MANE Select); 638 bases into the intron after coding-DNA position 1082, A replaced by G.
Molecular consequence: intron variant.
Genome position (GRCh38, 1-based): chr1:207,786,320, A>G. VCF-style: chr1-207786320-A-G. GRCh37 (hg19) VCF-style: chr1-207959665-A-G.
Other names: c.1127+638A>G (NM_002389.4, NM_172359.3); c.1082+638A>G (NM_153826.4); c.1045+638A>G (NM_172358.3); c.1040+638A>G (NM_172355.3, NM_172356.3); c.1037+638A>G (NM_172352.3, NM_172353.3); c.973+1214A>G (NM_172350.3); c.995+638A>G (NM_172357.3, NM_172361.3).
Identifiers: ClinVar variation 4291229 (VCV004291229.1).
Genomic context (GRCh38, chr1:207,786,320, plus strand): 5'-TACCAGATTGCAGTAAAACTGATAGGGTTAAAGTTAAAATTGCTGAGAGGGGTTAGATCT[A>G]TAAGGTACCTCAATTAACTGTGTCTTTTAATATATAAAAATGTAAAAAGTGAGTGGGTTT-3'

ClinVar aggregate classification (germline): Benign (1 of 4 stars; one submission).

Conditions:
Atypical hemolytic-uremic syndrome. Identifiers: Orphanet 2134, MedGen C2931788, MONDO:0016244.

gnomAD v4.1: 95,725 of 152,138 alleles (63%); highest among the groups gnomAD compares: East Asian, 86%; 30,466 homozygotes.

Submission:

Genomenon, Inc
Classification: Benign for Atypical hemolytic-uremic syndrome. Last evaluated: 2025-10-02. Review status: criteria provided, single submitter. Criteria: Genomenon Sequence Variant Interpretation Standards. Collection method: curation. Allele origin: germline. Affected: no.
Comment: CD46 c.1127+638A>G is a deeply intronic variant in intron 12. This variant has been reported in the published literature (PMID:33920896;27190382). This variant is present at high allele frequency in population databases. In conclusion, we classify CD46 c.1127+638A>G as a benign variant.

Literature cited by the submitters: PubMed 33920896; PubMed 27190382.